The following is an entry in ClinVar:

ClinVar aggregate classification (germline): Pathogenic/Likely pathogenic. Review status: criteria provided, multiple submitters, no conflicts (2 of 4 stars). 5 submissions from 5 submitters: Pathogenic (1); Likely pathogenic (4). Last evaluated 2025-08-27.

Conditions:
Glycogen storage disease, type V (GSD5). Also called: MCARDLE DISEASE; MUSCLE GLYCOGEN PHOSPHORYLASE DEFICIENCY; MYOPHOSPHORYLASE DEFICIENCY; McArdle type glycogen storage disease; PYGM DEFICIENCY. Identifiers: Orphanet 368, MedGen C0017924, MONDO:0009293, OMIM 232600.

Allele frequency attached by ClinVar (database versions not stated): gnomAD exomes below 0.00001 and 0.00002; TOPMed 0.00001; gnomAD 0.00002.

Submissions (5):

Myriad Genetics, Inc.
Classification: Likely pathogenic for Glycogen storage disease, type V. Last evaluated: 2025-08-27. Review status: criteria provided, single submitter. Criteria: Myriad Autosomal Dominant, Autosomal Recessive and X-Linked Classification Criteria (2023). Collection method: clinical testing. Allele origin: unknown.
Comment: NM_005609.2(PYGM):c.345+2T>A is a variant in a canonical splice site classified as likely pathogenic in the context of glycogen storage disease, PYGM-related. c.345+2T>A has been observed in a case with relevant disease (PMID: 34534370). Relevant functional assessments of this variant are not available in the literature. c.345+2T>A has been observed in referenced population frequency databases. In summary, NM_005609.2(PYGM):c.345+2T>A is a variant in a canonical splice site that has been observed more frequently in cases with the relevant disease than in healthy populations. Please note: this variant was assessed in the context of healthy population screening.

Natera, Inc.
Classification: Likely pathogenic for Glycogen storage disease V. Last evaluated: 2025-05-20. Review status: criteria provided, single submitter. Criteria: Natera Variant Classification Schema (03/2026). Collection method: clinical testing. Allele origin: germline.
Comment: The c.345+2T>A variant in PYGM is a canonical splice donor site variant predicted to affect pre-mRNA splicing, which may result in an abnormal transcript and altered protein product. This variant is expected to result in nonsense mediated decay, truncation, or a dysfunctional protein product. This variant is rare in the general population with a frequency below the threshold expected for the associated phenotype(s). This variant has been observed in one or more individuals affected with the associated recessive disease, as either homozygous or compound heterozygous with a second variant (PMID: 34534370). Given the available evidence, this variant is classified as Likely Pathogenic.

Labcorp Genetics (formerly Invitae), Labcorp
Classification: Likely pathogenic for Glycogen storage disease, type V. Last evaluated: 2024-05-24. Review status: criteria provided, single submitter. Criteria: Invitae Variant Classification Sherloc (09022015). Collection method: clinical testing. Allele origin: germline.
Comment: This sequence change affects a donor splice site in intron 2 of the PYGM gene. It is expected to disrupt RNA splicing. Variants that disrupt the donor or acceptor splice site typically lead to a loss of protein function (PMID: 16199547), and loss-of-function variants in PYGM are known to be pathogenic (PMID: 8316268, 16786513). This variant is present in population databases (no rsID available, gnomAD 0.0009%). Disruption of this splice site has been observed in individual(s) with clinical features of glycogen storage disease type V (GSD V), also known as McArdle disease (PMID: 34534370). ClinVar contains an entry for this variant (Variation ID: 848237). Algorithms developed to predict the effect of sequence changes on RNA splicing suggest that this variant may disrupt the consensus splice site. In summary, the currently available evidence indicates that the variant is pathogenic, but additional data are needed to prove that conclusively. Therefore, this variant has been classified as Likely Pathogenic.

Fulgent Genetics
Classification: Likely pathogenic for Glycogen storage disease, type V. Last evaluated: 2024-03-27. Review status: criteria provided, single submitter. Criteria: ACMG Guidelines, 2015. Collection method: clinical testing. Allele origin: germline.

Baylor Genetics
Classification: Pathogenic for Glycogen storage disease, type V. Last evaluated: 2024-03-06. Review status: criteria provided, single submitter. Criteria: ACMG Guidelines, 2015. Collection method: clinical testing. Allele origin: unknown.

Literature cited by the submitters: PubMed 34534370 (cited by 3 submitters); PubMed 16199547 (cited by Labcorp Genetics (formerly Invitae), Labcorp); PubMed 8316268 (cited by Labcorp Genetics (formerly Invitae), Labcorp); PubMed 16786513 (cited by Labcorp Genetics (formerly Invitae), Labcorp).

NM_005609.4(PYGM):c.345+2T>A

Gene: PYGM (glycogen phosphorylase, muscle associated; minus strand). Cytogenetic location: 11q13.1.
Variant type: single nucleotide variant.
Coding change: c.345+2T>A on transcript NM_005609.4 (MANE Select); the canonical splice donor site of the intron after coding-DNA position 345, T replaced by A.
Molecular consequence: splice donor variant. On other transcripts: intron variant (1).
Genome position (GRCh38, 1-based): chr11:64,758,601, A>T on the plus strand (T>A on the coding strand, the complement: PYGM is on the minus strand). VCF-style: chr11-64758601-A-T. GRCh37 (hg19) VCF-style: chr11-64526073-A-T.
Other names: c.244-335T>A (NM_001164716.1).
Identifiers: ClinVar variation 848237 (VCV000848237.15), dbSNP rs1219299972, ClinGen allele CA381110856.
Genomic context (GRCh38, chr11:64,758,601, plus strand): 5'-CAGGGTCAAGTGTCAGCAGTGGAATCCCCCAGTCCCCACGGCTTGCCCCACCCCACACAC[A>T]CCTGGTAGGTGGCCTCGTCACAGGCATTCTCTAAGGCCAGGTTCACCATGGTGTTCTGTA-3'